The following is an entry in ClinVar:

NM_005475.3(SH2B3):c.1195G>A (p.Gly399Arg)

Gene: SH2B3 (SH2B adaptor protein 3; plus strand). Cytogenetic location: 12q24.12.
Variant type: single nucleotide variant.
Coding change: c.1195G>A on transcript NM_005475.3 (MANE Select); coding-DNA position 1195, G replaced by A.
Protein change: p.Gly399Arg; replaces glycine 399 with arginine.
Molecular consequence: missense variant.
Genome position (GRCh38, 1-based): chr12:111,447,503, G>A. VCF-style: chr12-111447503-G-A. GRCh37 (hg19) VCF-style: chr12-111885307-G-A.
Other names: c.589G>A, p.Gly197Arg (NM_001291424.1); short protein forms G197R, G399R.
Identifiers: ClinVar variation 3953464 (VCV003953464.1).
Genomic context (GRCh38, chr12:111,447,503, plus strand): 5'-CAGCTGCAGGGCCCTGATGCTCATGGAGTGTTCCTGGTGCGGCAGAGCGAGACGCGGCGT[G>A]GGGAATACGTGCTCACTTTCAACTTTCAGGGGATAGCCAAGGTATGGGGTGGGGTGGGGT-3'
Protein context (NP_005466.1, residues 389-409): FLVRQSETRR[Gly399Arg]EYVLTFNFQG

ClinVar aggregate classification (germline): Uncertain significance (1 of 4 stars; one submission).

Conditions:
Inborn genetic diseases. Identifiers: MedGen C0950123, MeSH D030342.

Submission:

Ambry Genetics
Classification: Uncertain significance for Inborn genetic diseases. Last evaluated: 2025-04-18. Review status: criteria provided, single submitter. Criteria: Ambry Variant Classification Scheme 2023. Collection method: clinical testing. Allele origin: germline.
Comment: The p.G399R variant (also known as c.1195G>A), located in coding exon 5 of the SH2B3 gene, results from a G to A substitution at nucleotide position 1195. The glycine at codon 399 is replaced by arginine, an amino acid with dissimilar properties. This amino acid position is conserved. In addition, this alteration is predicted to be deleterious by in silico analysis. Based on the available evidence, the clinical significance of this variant remains unclear.